The following is an entry in ClinVar:

ClinVar aggregate classification (germline): Uncertain significance. Review status: criteria provided, multiple submitters, no conflicts (2 of 4 stars). 2 submissions from 2 submitters: Uncertain significance (2). Last evaluated 2025-01-20.

Allele frequency attached by ClinVar (database versions not stated): ExAC 0.00015; TOPMed 0.00017; gnomAD 0.00018; ESP Exome Variant Server 0.00031; gnomAD exomes 0.00032.
gnomAD v4.1: 488 of 1,613,880 alleles (0.03%); highest among the groups gnomAD compares: Non-Finnish European, 0.039%; no homozygotes.

Submissions (2):

Ambry Genetics
Classification: Uncertain significance. Last evaluated: 2025-01-20. Review status: criteria provided, single submitter. Criteria: Ambry Variant Classification Scheme 2023. Collection method: clinical testing. Allele origin: germline.

Labcorp Genetics (formerly Invitae), Labcorp
Classification: Uncertain significance. Last evaluated: 2024-10-24. Review status: criteria provided, single submitter. Criteria: Invitae Variant Classification Sherloc (09022015). Collection method: clinical testing. Allele origin: germline.
Comment: This sequence change replaces proline, which is neutral and non-polar, with leucine, which is neutral and non-polar, at codon 224 of the REPS1 protein (p.Pro224Leu). This variant is present in population databases (rs142627661, gnomAD 0.03%). This variant has not been reported in the literature in individuals affected with REPS1-related conditions. ClinVar contains an entry for this variant (Variation ID: 2178276). Invitae Evidence Modeling of protein sequence and biophysical properties (such as structural, functional, and spatial information, amino acid conservation, physicochemical variation, residue mobility, and thermodynamic stability) indicates that this missense variant is not expected to disrupt REPS1 protein function with a negative predictive value of 80%. In summary, the available evidence is currently insufficient to determine the role of this variant in disease. Therefore, it has been classified as a Variant of Uncertain Significance.

NM_001286611.2(REPS1):c.671C>T (p.Pro224Leu)

Gene: REPS1 (RALBP1 associated Eps domain containing 1; minus strand). Cytogenetic location: 6q24.1.
Variant type: single nucleotide variant.
Coding change: c.671C>T on transcript NM_001286611.2 (MANE Select); coding-DNA position 671, C replaced by T.
Protein change: p.Pro224Leu; replaces proline 224 with leucine.
Molecular consequence: missense variant.
Genome position (GRCh38, 1-based): chr6:138,944,580, G>A on the plus strand (C>T on the coding strand, the complement: REPS1 is on the minus strand). VCF-style: chr6-138944580-G-A. GRCh37 (hg19) VCF-style: chr6-139265717-G-A.
Other names: c.671C>T, p.Pro224Leu (NM_001128617.3, NM_001286612.2, NM_031922.5); c.671C>T (NM_031922.3); short protein forms P224L.
Identifiers: ClinVar variation 2178276 (VCV002178276.6), dbSNP rs142627661, ClinGen allele CA4024387.
Genomic context (GRCh38, chr6:138,944,580, plus strand): 5'-GTTAAAAGAGTACTGGTTGGTGGAGTATCTGCAAAACTGACCCAGTTTTCTTGAGGTGGA[G>A]GTGGGGAATGCCCTGACCACACTGCATCACCAGCAGAAGAACCTATAAGGAGAATGGGTA-3'
Protein context (NP_001273540.1, residues 214-234): GDAVWSGHSP[Pro224Leu]PPQENWVSFA